The following is an entry in ClinVar:

NM_000051.4(ATM):c.5044G>A (p.Asp1682Asn)

Gene: ATM (ATM serine/threonine kinase; plus strand). Cytogenetic location: 11q22.3.
Variant type: single nucleotide variant.
Coding change: c.5044G>A on transcript NM_000051.4 (MANE Select); coding-DNA position 5044, G replaced by A.
Protein change: p.Asp1682Asn; replaces aspartic acid 1682 with asparagine.
Molecular consequence: missense variant.
Genome position (GRCh38, 1-based): chr11:108,299,752, G>A. VCF-style: chr11-108299752-G-A. GRCh37 (hg19) VCF-style: chr11-108170479-G-A.
Other names: c.5044G>A, p.Asp1682Asn (NM_001351834.2); short protein forms D1682N.
Identifiers: ClinVar variation 1406169 (VCV001406169.6), dbSNP rs121434217, ClinGen allele CA382540386.

ClinVar aggregate classification (germline): Uncertain significance (1 of 4 stars; one submission).

Conditions:
Ataxia-telangiectasia syndrome (AT). Also called: Ataxia-telangiectasia, complementation group D; AT, COMPLEMENTATION GROUP C; Ataxia-telangiectasia; Ataxia telangiectasia (A-T); Ataxia-telangiectasia, complementation group E; Cerebello-oculocutaneous telangiectasia. Identifiers: Orphanet 100, MedGen C0004135, MONDO:0008840, OMIM 208900.

Submission:

Labcorp Genetics (formerly Invitae), Labcorp
Classification: Uncertain significance for Ataxia-telangiectasia syndrome. Last evaluated: 2025-12-03. Review status: criteria provided, single submitter. Criteria: Invitae Variant Classification Sherloc (09022015). Collection method: clinical testing. Allele origin: germline.
Comment: This sequence change replaces aspartic acid, which is acidic and polar, with asparagine, which is neutral and polar, at codon 1682 of the ATM protein (p.Asp1682Asn). This variant is not present in population databases (gnomAD no frequency). This variant has not been reported in the literature in individuals affected with ATM-related conditions. ClinVar contains an entry for this variant (Variation ID: 1406169). Invitae Evidence Modeling of protein sequence and biophysical properties (such as structural, functional, and spatial information, amino acid conservation, physicochemical variation, residue mobility, and thermodynamic stability) indicates that this missense variant is not expected to disrupt ATM protein function with a negative predictive value of 95%. In summary, the available evidence is currently insufficient to determine the role of this variant in disease. Therefore, it has been classified as a Variant of Uncertain Significance.